The following is an entry in ClinVar:

ClinVar aggregate classification (germline): Uncertain significance. Review status: criteria provided, multiple submitters, no conflicts (2 of 4 stars). 3 submissions from 3 submitters: Uncertain significance (3). Last evaluated 2024-08-14.

Conditions:
Complement component 5 deficiency. Also called: C5 DEFICIENCY. Identifiers: MedGen C0343047, MONDO:0012295, OMIM 609536.
Eculizumab, poor response to. Identifiers: MedGen C3810402, OMIM 615749.

Allele frequency attached by ClinVar (database versions not stated): ExAC 0.00003; gnomAD exomes 0.00004 and 0.00015; gnomAD 0.00005; TOPMed 0.00005; ESP Exome Variant Server 0.00008.
gnomAD v4.1: 218 of 1,614,034 alleles (0.014%); highest among the groups gnomAD compares: Non-Finnish European, 0.017%; no homozygotes.

Submissions (3):

Blueprint Genetics
Classification: Uncertain significance. Last evaluated: 2024-08-14. Review status: criteria provided, single submitter. Criteria: ACMG Guidelines, 2015. Collection method: clinical testing. Allele origin: germline.

Fulgent Genetics
Classification: Uncertain significance for Complement component 5 deficiency; Eculizumab, poor response to. Last evaluated: 2024-05-07. Review status: criteria provided, single submitter. Criteria: ACMG Guidelines, 2015. Collection method: clinical testing. Allele origin: germline.

Labcorp Genetics (formerly Invitae), Labcorp
Classification: Uncertain significance. Last evaluated: 2022-04-26. Review status: criteria provided, single submitter. Criteria: Invitae Variant Classification Sherloc (09022015). Collection method: clinical testing. Allele origin: germline.
Comment: This sequence change replaces valine, which is neutral and non-polar, with leucine, which is neutral and non-polar, at codon 896 of the C5 protein (p.Val896Leu). This variant is present in population databases (rs370940275, gnomAD 0.01%). This variant has not been reported in the literature in individuals affected with C5-related conditions. Algorithms developed to predict the effect of missense changes on protein structure and function are either unavailable or do not agree on the potential impact of this missense change (SIFT: "Deleterious"; PolyPhen-2: "Possibly Damaging"; Align-GVGD: "Class C0"). In summary, the available evidence is currently insufficient to determine the role of this variant in disease. Therefore, it has been classified as a Variant of Uncertain Significance.

NM_001735.3(C5):c.2686G>T (p.Val896Leu)

Gene: C5 (complement C5; minus strand). Cytogenetic location: 9q33.2.
Variant type: single nucleotide variant.
Coding change: c.2686G>T on transcript NM_001735.3 (MANE Select); coding-DNA position 2686, G replaced by T.
Protein change: p.Val896Leu; replaces valine 896 with leucine.
Molecular consequence: missense variant.
Genome position (GRCh38, 1-based): chr9:120,997,651, C>A on the plus strand (G>T on the coding strand, the complement: C5 is on the minus strand). VCF-style: chr9-120997651-C-A. GRCh37 (hg19) VCF-style: chr9-123759929-C-A.
Other names: c.2704G>T, p.Val902Leu (NM_001317163.2); short protein forms V896L, V902L.
Identifiers: ClinVar variation 1443422 (VCV001443422.8), dbSNP rs370940275, ClinGen allele CA5217694.
Genomic context (GRCh38, chr9:120,997,651, plus strand): 5'-TCTCCAGTGAAAAATTGATGTTGTGAAGGCCAATTTCCAGAGGAAGCACAGTGAATGTCA[C>A]CAAGTGACTGGAGGAGCCCTCTACTTTCTGGCGCACACATTTGGAGGACTTTGTGCCCTG-3'
Protein context (NP_001726.2, residues 886-906): QKVEGSSSHL[Val896Leu]TFTVLPLEIG